The following is an entry in ClinVar:

NM_152564.5(VPS13B):c.2927T>C (p.Met976Thr)

Gene: VPS13B (vacuolar protein sorting 13 homolog B; plus strand). Cytogenetic location: 8q22.2.
Variant type: single nucleotide variant.
Coding change: c.2927T>C on transcript NM_152564.5 (MANE Select); coding-DNA position 2927, T replaced by C.
Protein change: p.Met976Thr; replaces methionine 976 with threonine.
Molecular consequence: missense variant.
Genome position (GRCh38, 1-based): chr8:99,384,310, T>C. VCF-style: chr8-99384310-T-C. GRCh37 (hg19) VCF-style: chr8-100396538-T-C.
Other names: c.2927T>C, p.Met976Thr (NM_017890.5); short protein forms M976T.
Identifiers: ClinVar variation 1062494 (VCV001062494.9), dbSNP rs1439673220, ClinGen allele CA371864959.

ClinVar aggregate classification (germline): Uncertain significance. Review status: criteria provided, single submitter (1 of 4 stars). 2 submissions from 2 submitters: Uncertain significance (1). 1 of the submissions does not count toward it. Last evaluated 2025-10-23.

Conditions:
Cohen syndrome (COH1). Also called: PEPPER SYNDROME; Cutis verticis gyrata, retinitis pigmentosa, and sensorineural deafness. Identifiers: Orphanet 193, MedGen C0265223, MONDO:0008999, OMIM 216550.

gnomAD v4.1: 3 of 1,612,330 alleles (0.00019%); highest among the groups gnomAD compares: South Asian, 0.0011%; no homozygotes.

Submissions (2):

Labcorp Genetics (formerly Invitae), Labcorp
Classification: Uncertain significance for Cohen syndrome. Last evaluated: 2025-10-23. Review status: criteria provided, single submitter. Criteria: Invitae Variant Classification Sherloc (09022015). Collection method: clinical testing. Allele origin: germline.
Comment: This sequence change replaces methionine, which is neutral and non-polar, with threonine, which is neutral and polar, at codon 976 of the VPS13B protein (p.Met976Thr). This variant is not present in population databases (gnomAD no frequency). This variant has not been reported in the literature in individuals affected with VPS13B-related conditions. ClinVar contains an entry for this variant (Variation ID: 1062494). Invitae Evidence Modeling of protein sequence and biophysical properties (such as structural, functional, and spatial information, amino acid conservation, physicochemical variation, residue mobility, and thermodynamic stability) indicates that this missense variant is not expected to disrupt VPS13B protein function with a negative predictive value of 80%. In summary, the available evidence is currently insufficient to determine the role of this variant in disease. Therefore, it has been classified as a Variant of Uncertain Significance.

Natera, Inc.
Classification: Uncertain significance for Cohen syndrome. Last evaluated: 2020-12-01. Review status: no assertion criteria provided. Collection method: clinical testing. Allele origin: germline. Not counted in ClinVar's aggregate classification.